The following is an entry in ClinVar:

ClinVar aggregate classification (germline): Likely benign (1 of 4 stars; one submission).

Conditions:
RFT1-congenital disorder of glycosylation (CDG1N). Also called: CDG In; Congenital disorder of glycosylation type In; RFT1-CDG. Identifiers: Orphanet 244310, MedGen C2677590, MONDO:0012783, OMIM 612015.

Allele frequency attached by ClinVar (database versions not stated): gnomAD 0.00001 and 0.00046; TOPMed 0.00006; gnomAD exomes 0.00184; 1000 Genomes Project 0.00379; 1000 Genomes Project 30x 0.00437.
gnomAD v4.1: 782 of 551,204 alleles (0.14%); highest among the groups gnomAD compares: South Asian, 1.6%; 25 homozygotes.

Submission:

Illumina Laboratory Services, Illumina
Classification: Likely benign for RFT1-congenital disorder of glycosylation. Last evaluated: 2018-01-13. Review status: criteria provided, single submitter. Criteria: ICSL Variant Classification Criteria 13 December 2019. Collection method: clinical testing. Allele origin: germline.
Comment: This variant was observed in the ICSL laboratory as part of a predisposition screen in an ostensibly healthy population. It had not been previously curated by ICSL or reported in the Human Gene Mutation Database (HGMD: prior to June 1st, 2018), and was therefore a candidate for classification through an automated scoring system. Utilizing variant allele frequency, disease prevalence and penetrance estimates, and inheritance mode, an automated score was calculated to assess if this variant is too frequent to cause the disease. Based on the score and internal cut-off values, a variant classified as likely benign is not then subjected to further curation. The score for this variant resulted in a classification of likely benign for this disease.

NM_052859.4(RFT1):c.*240T>C

Gene: RFT1 (RFT1 glycolipid translocator homolog; minus strand). Cytogenetic location: 3p21.1.
Variant type: single nucleotide variant.
Coding change: c.*240T>C on transcript NM_052859.4 (MANE Select); 240 bases downstream of the stop codon, T replaced by C.
Molecular consequence: 3 prime UTR variant.
Genome position (GRCh38, 1-based): chr3:53,091,663, A>G on the plus strand (T>C on the coding strand, the complement: RFT1 is on the minus strand). VCF-style: chr3-53091663-A-G. GRCh37 (hg19) VCF-style: chr3-53125679-A-G.
Identifiers: ClinVar variation 901948 (VCV000901948.4), dbSNP rs534506262, ClinGen allele CA74822001.